The following is an entry in ClinVar:

NM_024537.4(CARS2):c.1552G>C (p.Glu518Gln)

Gene: CARS2 (cysteinyl-tRNA synthetase 2, mitochondrial; minus strand). Cytogenetic location: 13q34.
Variant type: single nucleotide variant.
Coding change: c.1552G>C on transcript NM_024537.4 (MANE Select); coding-DNA position 1552, G replaced by C.
Protein change: p.Glu518Gln; replaces glutamic acid 518 with glutamine.
Molecular consequence: missense variant. On other transcripts: non-coding transcript variant (2).
Genome position (GRCh38, 1-based): chr13:110,642,386, C>G on the plus strand (G>C on the coding strand, the complement: CARS2 is on the minus strand). VCF-style: chr13-110642386-C-G. GRCh37 (hg19) VCF-style: chr13-111294733-C-G.
Other names: c.766G>C, p.Glu256Gln (NM_001352252.2); short protein forms E256Q, E518Q.
Identifiers: ClinVar variation 2504524 (VCV002504524.3), dbSNP rs777258774, ClinGen allele CA7051610.

ClinVar aggregate classification (germline): Uncertain significance. Review status: criteria provided, multiple submitters, no conflicts (2 of 4 stars). 2 submissions from 2 submitters: Uncertain significance (2). Last evaluated 2025-06-12.

Conditions:
Combined oxidative phosphorylation defect type 27. Also called: Combined oxidative phosphorylation deficiency 27. Identifiers: Orphanet 477774, MedGen C5567608, MONDO:0014728, OMIM 616672.

Submissions (2):

Labcorp Genetics (formerly Invitae), Labcorp
Classification: Uncertain significance for Combined oxidative phosphorylation defect type 27. Last evaluated: 2025-06-12. Review status: criteria provided, single submitter. Criteria: Invitae Variant Classification Sherloc (09022015). Collection method: clinical testing. Allele origin: germline.
Comment: This sequence change replaces glutamic acid, which is acidic and polar, with glutamine, which is neutral and polar, at codon 518 of the CARS2 protein (p.Glu518Gln). This variant is not present in population databases (gnomAD no frequency). This variant has not been reported in the literature in individuals affected with CARS2-related conditions. ClinVar contains an entry for this variant (Variation ID: 2504524). An algorithm developed to predict the effect of missense changes on protein structure and function (PolyPhen-2) suggests that this variant is likely to be tolerated. In summary, the available evidence is currently insufficient to determine the role of this variant in disease. Therefore, it has been classified as a Variant of Uncertain Significance.

GeneDx
Classification: Uncertain significance. Last evaluated: 2022-12-01. Review status: criteria provided, single submitter. Criteria: GeneDx Variant Classification Process June 2021. Collection method: clinical testing. Allele origin: germline. Affected: yes.
Comment: Not observed at significant frequency in large population cohorts (gnomAD); In silico analysis supports that this missense variant does not alter protein structure/function; Has not been previously published as pathogenic or benign to our knowledge